The following is an entry in ClinVar:

NM_000135.4(FANCA):c.299A>G (p.Asp100Gly)

Gene: FANCA (FA complementation group A; minus strand). Cytogenetic location: 16q24.3.
Variant type: single nucleotide variant.
Coding change: c.299A>G on transcript NM_000135.4 (MANE Select); coding-DNA position 299, A replaced by G.
Protein change: p.Asp100Gly; replaces aspartic acid 100 with glycine.
Molecular consequence: missense variant.
Genome position (GRCh38, 1-based): chr16:89,811,056, T>C on the plus strand (A>G on the coding strand, the complement: FANCA is on the minus strand). VCF-style: chr16-89811056-T-C. GRCh37 (hg19) VCF-style: chr16-89877464-T-C.
Other names: c.299A>G, p.Asp100Gly (NM_001018112.3, NM_001286167.3, NM_001351830.2); short protein forms D100G.
Identifiers: ClinVar variation 4254326 (VCV004254326.1).

ClinVar aggregate classification (germline): Uncertain significance (1 of 4 stars; one submission).

Conditions:
Inborn genetic diseases. Identifiers: MedGen C0950123, MeSH D030342.

Submission:

Ambry Genetics
Classification: Uncertain significance for Inborn genetic diseases. Last evaluated: 2025-09-01. Review status: criteria provided, single submitter. Criteria: Ambry Variant Classification Scheme 2023. Collection method: clinical testing. Allele origin: germline.
Comment: The p.D100G variant (also known as c.299A>G), located in coding exon 4 of the FANCA gene, results from an A to G substitution at nucleotide position 299. The aspartic acid at codon 100 is replaced by glycine, an amino acid with similar properties. This amino acid position is conserved. In addition, the in silico prediction for this alteration is inconclusive. Based on the available evidence, the clinical significance of this variant remains unclear.